The following is an entry in ClinVar:

NM_001166108.2(PALLD):c.2144C>T (p.Ala715Val)

Genes: CBR4 (carbonyl reductase 4; minus strand), PALLD (palladin, cytoskeletal associated protein; plus strand). Cytogenetic location: 4q32.3.
Variant type: single nucleotide variant.
Coding change: c.2144C>T on transcript NM_001166108.2 (MANE Select); coding-DNA position 2144, C replaced by T.
Protein change: p.Ala715Val; replaces alanine 715 with valine.
Molecular consequence: missense variant.
Genome position (GRCh38, 1-based): chr4:168,894,622, C>T. VCF-style: chr4-168894622-C-T. GRCh37 (hg19) VCF-style: chr4-169815773-C-T.
Other names: c.998C>T, p.Ala333Val (NM_001166109.2); c.683C>T, p.Ala228Val (NM_001166110.2); c.23C>T, p.Ala8Val (NM_001367567.1, NM_001367568.1, NM_001367569.1 and 1 more transcripts); c.2144C>T, p.Ala715Val (NM_016081.4); short protein forms A228V, A715V, A333V, A8V.
Identifiers: ClinVar variation 238614 (VCV000238614.8), dbSNP rs878854268, ClinGen allele CA10582222.

ClinVar aggregate classification (germline): Uncertain significance (1 of 4 stars; one submission).

Conditions:
Pancreatic adenocarcinoma. Identifiers: MedGen C0281361, MONDO:0006047, HP:0006725.

Submission:

Labcorp Genetics (formerly Invitae), Labcorp
Classification: Uncertain significance for Pancreatic adenocarcinoma. Last evaluated: 2023-07-08. Review status: criteria provided, single submitter. Criteria: Invitae Variant Classification Sherloc (09022015). Collection method: clinical testing. Allele origin: germline.
Comment: In summary, the available evidence is currently insufficient to determine the role of this variant in disease. Therefore, it has been classified as a Variant of Uncertain Significance. An algorithm developed to predict the effect of missense changes on protein structure and function (PolyPhen-2) suggests that this variant is likely to be tolerated. This sequence change replaces alanine, which is neutral and non-polar, with valine, which is neutral and non-polar, at codon 228 of the PALLD protein (p.Ala228Val). This variant is not present in population databases (gnomAD no frequency). This variant has not been reported in the literature in individuals affected with PALLD-related conditions. ClinVar contains an entry for this variant (Variation ID: 238614).